The following is an entry in ClinVar:

ClinVar aggregate classification (germline): Likely benign (1 of 4 stars; one submission).

Submission:

CeGaT Center for Human Genetics Tuebingen
Classification: Likely benign. Last evaluated: 2026-08-01. Review status: criteria provided, single submitter. Criteria: CeGaT Center For Human Genetics Tuebingen Variant Classification Criteria Version 2. Collection method: clinical testing. Allele origin: germline. Affected: yes. Observed: 2 variant alleles.
Comment: TTN: PM2:Supporting, BP4, BP7

NM_001267550.2(TTN):c.11311+2517T>C

Gene: TTN (titin; minus strand). Cytogenetic location: 2q31.2.
Variant type: single nucleotide variant.
Coding change: c.11311+2517T>C on transcript NM_001267550.2 (MANE Select); 2517 bases into the intron after coding-DNA position 11311, T replaced by C.
Molecular consequence: intron variant. On other transcripts: synonymous variant (1).
Genome position (GRCh38, 1-based): chr2:178,750,607, A>G on the plus strand (T>C on the coding strand, the complement: TTN is on the minus strand). VCF-style: chr2-178750607-A-G. GRCh37 (hg19) VCF-style: chr2-179615334-A-G.
Other names: c.11793T>C, p.Phe3931= (NM_133379.5); c.10222+2517T>C (NM_003319.4); c.10798+2517T>C (NM_133437.4); c.10597+2517T>C (NM_133432.3); c.10360+2517T>C (NM_133378.4, NM_001256850.1).
Identifiers: ClinVar variation 2651706 (VCV002651706.24), dbSNP rs2531387542, ClinGen allele CA2695197006.